The following is an entry in ClinVar:

ClinVar aggregate classification (germline): Likely benign. Review status: criteria provided, multiple submitters, no conflicts (2 of 4 stars). 3 submissions from 3 submitters: Likely benign (2). 1 of the submissions does not count toward it. Last evaluated 2024-07-30.

Conditions:
PCNT-related disorder. Also called: PCNT-related condition.
Microcephalic osteodysplastic primordial dwarfism type II (MOPD2). Also called: Microcephalic osteodysplastic primordial dwarfism with tooth abnormalities; MOPD II; OSTEODYSPLASTIC PRIMORDIAL DWARFISM, TYPE II. Identifiers: Orphanet 2637, MedGen C0432246, MONDO:0008872, OMIM 210720.
Inborn genetic diseases. Identifiers: MedGen C0950123, MeSH D030342.

Allele frequency attached by ClinVar (database versions not stated): gnomAD exomes 0.00002 and 0.00005; ExAC 0.00003; TOPMed 0.00003; gnomAD 0.00005; ESP Exome Variant Server 0.00015.
gnomAD v4.1: 74 of 1,590,858 alleles (0.0047%); highest among the groups gnomAD compares: Non-Finnish European, 0.0061%; no homozygotes.

Submissions (3):

Ambry Genetics
Classification: Likely benign for Inborn genetic diseases. Last evaluated: 2024-07-30. Review status: criteria provided, single submitter. Criteria: Ambry Variant Classification Scheme 2023. Collection method: clinical testing. Allele origin: germline.

ARUP Laboratories, Molecular Genetics and Genomics, ARUP Laboratories
Classification: Likely benign for Microcephalic osteodysplastic primordial dwarfism type II. Last evaluated: 2022-02-11. Review status: criteria provided, single submitter. Criteria: ARUP Molecular Germline Variant Investigation Process 2021. Collection method: clinical testing. Allele origin: germline.

PreventionGenetics, part of Exact Sciences
Classification: Uncertain significance for PCNT-related condition. Last evaluated: 2024-07-25. Review status: no assertion criteria provided. Collection method: clinical testing. Allele origin: germline. Not counted in ClinVar's aggregate classification.
Comment: The PCNT c.7006G>A variant is predicted to result in the amino acid substitution p.Ala2336Thr. To our knowledge, this variant has not been reported in the literature. This variant is reported in 0.012% of alleles in individuals of African descent in gnomAD. At this time, the clinical significance of this variant is uncertain due to the absence of conclusive functional and genetic evidence.

NM_006031.6(PCNT):c.7006G>A (p.Ala2336Thr)

Gene: PCNT (pericentrin; plus strand). Cytogenetic location: 21q22.3.
Variant type: single nucleotide variant.
Coding change: c.7006G>A on transcript NM_006031.6 (MANE Select); coding-DNA position 7006, G replaced by A.
Protein change: p.Ala2336Thr; replaces alanine 2336 with threonine.
Molecular consequence: missense variant.
Genome position (GRCh38, 1-based): chr21:46,418,288, G>A. VCF-style: chr21-46418288-G-A. GRCh37 (hg19) VCF-style: chr21-47838202-G-A.
Other names: c.6652G>A, p.Ala2218Thr (NM_001315529.2); c.7006G>A (NM_006031.5); short protein forms A2218T, A2336T.
Identifiers: ClinVar variation 1679490 (VCV001679490.10), dbSNP rs144612972, ClinGen allele CA10080484.